The following is an entry in ClinVar:

NM_024753.5(TTC21B):c.497A>G (p.Lys166Arg)

Genes: TTC21B-AS1 (TTC21B antisense RNA 1; plus strand), TTC21B (tetratricopeptide repeat domain 21B; minus strand). Cytogenetic location: 2q24.3.
Variant type: single nucleotide variant.
Coding change: c.497A>G on transcript NM_024753.5 (MANE Select); coding-DNA position 497, A replaced by G.
Protein change: p.Lys166Arg; replaces lysine 166 with arginine.
Molecular consequence: missense variant.
Genome position (GRCh38, 1-based): chr2:165,943,274, T>C on the plus strand (A>G on the coding strand, the complement: TTC21B is on the minus strand). VCF-style: chr2-165943274-T-C. GRCh37 (hg19) VCF-style: chr2-166799784-T-C.
Other names: short protein forms K166R.
Identifiers: ClinVar variation 2933039 (VCV002933039.3), dbSNP rs2468244495, ClinGen allele CA349052071.
Genomic context (GRCh38, chr2:165,943,274, plus strand): 5'-CTCACCTTACCCAGCAGAGCAAAAGTATCATTCCCATCTTGGAGTCCCTCTTCAAAATAC[T>C]TCAGTGCTTTTTTAGTGTAAGGCTCTTTTCCTCTTGTAATATCAAGCCATGCTTTCAAAA-3'
Protein context (NP_079029.3, residues 156-176): GKEPYTKKAL[Lys166Arg]YFEEGLQDGN

ClinVar aggregate classification (germline): Uncertain significance (1 of 4 stars; one submission).

Conditions:
Jeune thoracic dystrophy. Also called: Jeune syndrome; Infantile thoracic dystrophy; Thoracic pelvic phalangeal dystrophy; Jeune's syndrome; Chondroectodermal dysplasia-like syndrome; Short-rib thoracic dysplasia. Identifiers: Orphanet 474, MedGen C0265275, MONDO:0018770.
Nephronophthisis. Also called: Juvenile Nephronophthisis. Identifiers: Orphanet 655, MedGen C0687120, MONDO:0019005, HP:0000090.

Submission:

Labcorp Genetics (formerly Invitae), Labcorp
Classification: Uncertain significance for Jeune thoracic dystrophy; Nephronophthisis. Last evaluated: 2023-11-15. Review status: criteria provided, single submitter. Criteria: Invitae Variant Classification Sherloc (09022015). Collection method: clinical testing. Allele origin: germline.
Comment: This sequence change replaces lysine, which is basic and polar, with arginine, which is basic and polar, at codon 166 of the TTC21B protein (p.Lys166Arg). This variant is not present in population databases (gnomAD no frequency). This variant has not been reported in the literature in individuals affected with TTC21B-related conditions. Advanced modeling of protein sequence and biophysical properties (such as structural, functional, and spatial information, amino acid conservation, physicochemical variation, residue mobility, and thermodynamic stability) performed at Invitae indicates that this missense variant is not expected to disrupt TTC21B protein function with a negative predictive value of 95%. In summary, the available evidence is currently insufficient to determine the role of this variant in disease. Therefore, it has been classified as a Variant of Uncertain Significance.